The following is an entry in ClinVar:

ClinVar aggregate classification (germline): Uncertain significance (1 of 4 stars; one submission).

Conditions:
Hereditary cancer-predisposing syndrome. Also called: Tumor predisposition; Neoplastic Syndromes, Hereditary; Hereditary Cancer Syndrome; Hereditary neoplastic syndrome. Identifiers: Orphanet 140162, MedGen C0027672, MeSH D009386, MONDO:0015356.

Submission:

Ambry Genetics
Classification: Uncertain significance for Hereditary cancer-predisposing syndrome. Last evaluated: 2024-10-12. Review status: criteria provided, single submitter. Criteria: Ambry Variant Classification Scheme 2023. Collection method: clinical testing. Allele origin: germline.
Comment: The p.L243M variant (also known as c.727C>A), located in coding exon 5 of the CTNNA1 gene, results from a C to A substitution at nucleotide position 727. The leucine at codon 243 is replaced by methionine, an amino acid with highly similar properties. This amino acid position is conserved. In addition, this alteration is predicted to be tolerated by in silico analysis. Based on the available evidence, the clinical significance of this variant remains unclear.

NM_001903.5(CTNNA1):c.727C>A (p.Leu243Met)

Gene: CTNNA1 (catenin alpha 1; plus strand). Cytogenetic location: 5q31.2.
Variant type: single nucleotide variant.
Coding change: c.727C>A on transcript NM_001903.5 (MANE Select); coding-DNA position 727, C replaced by A.
Protein change: p.Leu243Met; replaces leucine 243 with methionine.
Molecular consequence: missense variant.
Genome position (GRCh38, 1-based): chr5:138,824,668, C>A. VCF-style: chr5-138824668-C-A. GRCh37 (hg19) VCF-style: chr5-138160357-C-A.
Other names: c.727C>A, p.Leu243Met (NM_001290307.3, NM_001323982.2, NM_001323983.1 and 3 more transcripts); c.418C>A, p.Leu140Met (NM_001290309.3); c.358C>A, p.Leu120Met (NM_001290310.3); short protein forms L140M, L120M, L243M.
Identifiers: ClinVar variation 3498251 (VCV003498251.1).
Genomic context (GRCh38, chr5:138,824,668, plus strand): 5'-ACTGCATCCCAGGCATGCCTACAGCACCCTGATGTCGCAGCCTATAAGGCCAACAGGGAC[C>A]TGATATACAAGCAGCTGCAGCAGGCGGTCACAGGCATTTCCAATGCAGCCCAGGCCACTG-3'
Protein context (NP_001894.2, residues 233-253): DVAAYKANRD[Leu243Met]IYKQLQQAVT